The following is an entry in ClinVar:

ClinVar aggregate classification (germline): Uncertain significance (1 of 4 stars; one submission).

Submission:

Labcorp Genetics (formerly Invitae), Labcorp
Classification: Uncertain significance. Last evaluated: 2022-03-10. Review status: criteria provided, single submitter. Criteria: Invitae Variant Classification Sherloc (09022015). Collection method: clinical testing. Allele origin: germline.
Comment: This variant has not been reported in the literature in individuals affected with ASAH1-related conditions. In summary, the available evidence is currently insufficient to determine the role of this variant in disease. Therefore, it has been classified as a Variant of Uncertain Significance. Algorithms developed to predict the effect of missense changes on protein structure and function are either unavailable or do not agree on the potential impact of this missense change (SIFT: "Deleterious"; PolyPhen-2: "Probably Damaging"; Align-GVGD: "Class C0"). This variant is not present in population databases (gnomAD no frequency). This sequence change replaces phenylalanine, which is neutral and non-polar, with leucine, which is neutral and non-polar, at codon 251 of the ASAH1 protein (p.Phe251Leu).

NM_177924.5(ASAH1):c.751T>C (p.Phe251Leu)

Gene: ASAH1 (N-acylsphingosine amidohydrolase 1; minus strand). Cytogenetic location: 8p22.
Variant type: single nucleotide variant.
Coding change: c.751T>C on transcript NM_177924.5 (MANE Select); coding-DNA position 751, T replaced by C.
Protein change: p.Phe251Leu; replaces phenylalanine 251 with leucine.
Molecular consequence: missense variant.
Genome position (GRCh38, 1-based): chr8:18,061,411, A>G on the plus strand (T>C on the coding strand, the complement: ASAH1 is on the minus strand). VCF-style: chr8-18061411-A-G. GRCh37 (hg19) VCF-style: chr8-17918920-A-G.
Other names: c.733T>C, p.Phe245Leu (NM_001127505.3); c.556T>C, p.Phe186Leu (NM_001363743.2); c.799T>C, p.Phe267Leu (NM_004315.6); short protein forms F251L, F186L, F245L, F267L.
Identifiers: ClinVar variation 2141244 (VCV002141244.4), dbSNP rs2537923294, ClinGen allele CA370429349.
Genomic context (GRCh38, chr8:18,061,411, plus strand): 5'-AATAGTAAAGCAACGAAACACTTTACCTTGTGCTATTTTCCAGAACTGTTCTAGTGAGGA[A>G]CCCTATCCACATGACATCTTTCTTTCCCAGAATCCATTCTAGAATACCTGGAAGAGATGA-3'
Protein context (NP_808592.2, residues 241-261): LGKKDVMWIG[Phe251Leu]LTRTVLENST